The following is an entry in ClinVar:

NM_001164665.2(KIAA1549):c.1268C>G (p.Ala423Gly)

Gene: KIAA1549 (KIAA1549; minus strand). Cytogenetic location: 7q34.
Variant type: single nucleotide variant.
Coding change: c.1268C>G on transcript NM_001164665.2 (MANE Select); coding-DNA position 1268, C replaced by G.
Protein change: p.Ala423Gly; replaces alanine 423 with glycine.
Molecular consequence: missense variant.
Genome position (GRCh38, 1-based): chr7:138,918,358, G>C on the plus strand (C>G on the coding strand, the complement: KIAA1549 is on the minus strand). VCF-style: chr7-138918358-G-C. GRCh37 (hg19) VCF-style: chr7-138603104-G-C.
Other names: c.1268C>G, p.Ala423Gly (NM_020910.3); c.1268C>G (NM_001164665.1); short protein forms A423G.
Identifiers: ClinVar variation 1488240 (VCV001488240.9), dbSNP rs760600723, ClinGen allele CA4506766.

ClinVar aggregate classification (germline): Uncertain significance. Review status: criteria provided, multiple submitters, no conflicts (2 of 4 stars). 2 submissions from 2 submitters: Uncertain significance (2). Last evaluated 2025-06-07.

Conditions:
Inborn genetic diseases. Identifiers: MedGen C0950123, MeSH D030342.

Allele frequency attached by ClinVar (database versions not stated): TOPMed below 0.00001; gnomAD 0.00001; gnomAD exomes 0.00001; ExAC 0.00002.
gnomAD v4.1: 4 of 1,613,842 alleles (0.00025%); highest among the groups gnomAD compares: East Asian, 0.0089%; no homozygotes.

Submissions (2):

Ambry Genetics
Classification: Uncertain significance for Inborn genetic diseases. Last evaluated: 2025-06-07. Review status: criteria provided, single submitter. Criteria: Ambry Variant Classification Scheme 2023. Collection method: clinical testing. Allele origin: germline.

Labcorp Genetics (formerly Invitae), Labcorp
Classification: Uncertain significance. Last evaluated: 2022-10-25. Review status: criteria provided, single submitter. Criteria: Invitae Variant Classification Sherloc (09022015). Collection method: clinical testing. Allele origin: germline.
Comment: Algorithms developed to predict the effect of missense changes on protein structure and function (SIFT, PolyPhen-2, Align-GVGD) all suggest that this variant is likely to be tolerated. In summary, the available evidence is currently insufficient to determine the role of this variant in disease. Therefore, it has been classified as a Variant of Uncertain Significance. ClinVar contains an entry for this variant (Variation ID: 1488240). This sequence change replaces alanine, which is neutral and non-polar, with glycine, which is neutral and non-polar, at codon 423 of the KIAA1549 protein (p.Ala423Gly). This variant is present in population databases (rs760600723, gnomAD 0.02%). This variant has not been reported in the literature in individuals affected with KIAA1549-related conditions.